The following is an entry in ClinVar:

NM_001080517.3(SETD5):c.4160G>A (p.Arg1387Gln)

Gene: SETD5 (SET domain containing 5; plus strand). Cytogenetic location: 3p25.3.
Variant type: single nucleotide variant.
Coding change: c.4160G>A on transcript NM_001080517.3 (MANE Select); coding-DNA position 4160, G replaced by A.
Protein change: p.Arg1387Gln; replaces arginine 1387 with glutamine.
Molecular consequence: missense variant.
Genome position (GRCh38, 1-based): chr3:9,475,922, G>A. VCF-style: chr3-9475922-G-A. GRCh37 (hg19) VCF-style: chr3-9517606-G-A.
Other names: c.3866G>A, p.Arg1289Gln (NM_001292043.2, NM_001349451.2); c.4160G>A (NM_001080517.2); short protein forms R1289Q, R1387Q.
Identifiers: ClinVar variation 1914308 (VCV001914308.6), dbSNP rs80044089, ClinGen allele CA2239876.

ClinVar aggregate classification (germline): Likely benign. Review status: criteria provided, single submitter (1 of 4 stars). 2 submissions from 2 submitters: Likely benign (1). 1 of the submissions does not count toward it. Last evaluated 2025-08-11.

Conditions:
SETD5-related disorder. Also called: SETD5-related disorders; SETD5-related condition.

Allele frequency attached by ClinVar (database versions not stated): gnomAD 0.00002; gnomAD exomes 0.00002; TOPMed 0.00003; ExAC 0.00007; 1000 Genomes Project 30x 0.00016; 1000 Genomes Project 0.00020.
gnomAD v4.1: 27 of 1,613,918 alleles (0.0017%); highest among the groups gnomAD compares: East Asian, 0.029%; no homozygotes.

Submissions (2):

Labcorp Genetics (formerly Invitae), Labcorp
Classification: Likely benign. Last evaluated: 2025-08-11. Review status: criteria provided, single submitter. Criteria: Invitae Variant Classification Sherloc (09022015). Collection method: clinical testing. Allele origin: germline.

PreventionGenetics, part of Exact Sciences
Classification: Likely benign for SETD5-related condition. Last evaluated: 2024-09-23. Review status: no assertion criteria provided. Collection method: clinical testing. Allele origin: germline. Not counted in ClinVar's aggregate classification.
Comment: This variant is classified as likely benign based on ACMG/AMP sequence variant interpretation guidelines (Richards et al. 2015 PMID: 25741868, with internal and published modifications).